The following is an entry in ClinVar:

NM_022575.4(VPS16):c.2170_2171del (p.Lys724fs)

Genes: PTPRA (protein tyrosine phosphatase receptor type A; plus strand), VPS16 (VPS16 core subunit of CORVET and HOPS complexes; plus strand). Cytogenetic location: 20p13.
Variant type: Deletion.
Coding change: c.2170_2171del on transcript NM_022575.4 (MANE Select); coding-DNA positions 2170 to 2171, 2 bases deleted (AA; older notation c.2170_2171delAA).
Protein change: p.Lys724fs; shifts the reading frame from lysine 724.
Molecular consequence: frameshift variant. On other transcripts: 5 prime UTR variant (1).
Genome position (GRCh38, 1-based): chr20:2,865,313-2,865,314, AA deleted. VCF-style (leftmost placement, unchanged base first): chr20-2865312-CAA-C. GRCh37 (hg19) VCF-style: chr20-2845958-CAA-C.
Other names: c.-133_-132del (NM_002836.4); c.1738_1739del, p.Lys580fs (NM_080413.3); short protein forms K580fs, K724fs.
Identifiers: ClinVar variation 4852185 (VCV004852185.1).

ClinVar aggregate classification (germline): Likely pathogenic (1 of 4 stars; one submission).

Conditions:
Dystonia 30. Identifiers: MedGen C5543312, MONDO:0025691, OMIM 619291.

Submission:

Variantyx, Inc.
Classification: Likely pathogenic for Dystonia 30. Last evaluated: 2025-12-16. Review status: criteria provided, single submitter. Criteria: Variantyx Assertion Criteria 2022. Collection method: clinical testing. Allele origin: germline. Inheritance: Autosomal dominant inheritance. Affected: yes.
Comment: This is a frameshift variant in the VPS16 gene (OMIM: 608550). Pathogenic variants in this gene have been associated with autosomal dominant dystonia 30. This variant introduces a premature termination codon in exon 21 out of 24 and is expected to result in loss of function, which is a known disease mechanism for VPS16 in this disorder (PMID: 34901436) (PVS1). It has been reported in the heterozygous state in an affected individual with dystonic dysarthria, dystonia, and myoclonic jerks (PMID: 38291845), and has a 0.0017% maximum allele frequency in non-founder control populations (PM2). Based on the current evidence, this variant is classified as likely pathogenic for autosomal dominant dystonia 30.Other pathogenic variants in the VPS16 gene have been reported to be inherited from an unaffected or mildly affected parent, consistent with incomplete penetrance and variable expressivity (PMID:¬†32808683).

Literature cited by the submitters: PubMed 34901436; PubMed 38291845.